The following is an entry in ClinVar:

NM_000059.4(BRCA2):c.1568A>G (p.His523Arg)

Gene: BRCA2 (BRCA2 DNA repair associated; plus strand). Cytogenetic location: 13q13.1.
Variant type: single nucleotide variant.
Coding change: c.1568A>G on transcript NM_000059.4 (MANE Select); coding-DNA position 1568, A replaced by G.
Protein change: p.His523Arg; replaces histidine 523 with arginine.
Molecular consequence: missense variant.
Genome position (GRCh38, 1-based): chr13:32,333,046, A>G. VCF-style: chr13-32333046-A-G. GRCh37 (hg19) VCF-style: chr13-32907183-A-G.
Other names: p.H523R:CAT>CGT; 1796A>G; short protein forms H523R.
Identifiers: ClinVar variation 96766 (VCV000096766.44), dbSNP rs80358443, ClinGen allele CA012439.

ClinVar aggregate classification (germline): Conflicting classifications of pathogenicity. Review status: criteria provided, conflicting classifications (1 of 4 stars). 17 submissions from 16 submitters: Uncertain significance (2); Benign (4); Likely benign (8). 3 of the submissions do not count toward it. Last evaluated 2026-02-03.

Conditions:
Malignant tumor of pancreas. Also called: Cancer of the pancreas; Malignant pancreatic neoplasm; Pancreatic cancer. Identifiers: MedGen C0346647, MONDO:0009831.
Hereditary cancer-predisposing syndrome. Also called: Hereditary Cancer Syndrome; Neoplastic Syndromes, Hereditary; Hereditary neoplastic syndrome; Tumor predisposition. Identifiers: Orphanet 140162, MedGen C0027672, MeSH D009386, MONDO:0015356.
Breast neoplasm. Also called: Neoplasm of the breast; Breast Neoplasms; Neoplasm of breast; Breast tumor. Identifiers: MedGen C1458155, MeSH D001943, MONDO:0021100, HP:0100013. Disease mechanism: gain of function.
Ovarian cancer. Also called: OVARIAN CANCER, SOMATIC. Identifiers: Orphanet 213500, MedGen C1140680, MONDO:0008170, OMIM 167000.
Hereditary breast ovarian cancer syndrome. Also called: Breast and ovarian cancer; Hereditary breast and/or ovarian cancer syndrome; Hereditary breast and ovarian cancer; Hereditary breast and ovarian cancer syndrome; Hereditary breast and ovarian cancer syndrome (HBOC); BRCA1- and BRCA2-Associated Hereditary Breast and Ovarian Cancer. Identifiers: Orphanet 145, MedGen C0677776, MeSH D061325, MONDO:0003582. Disease mechanism: loss of function.
Breast-ovarian cancer, familial, susceptibility to, 2 (BROVCA2). Also called: BRCA2 Hereditary Breast and Ovarian Cancer. Identifiers: Orphanet 145, MedGen C2675520, MONDO:0012933, OMIM 612555. Disease mechanism: loss of function.
Familial cancer of breast. Also called: Hereditary breast cancer; BREAST CANCER, FAMILIAL; hereditary breast carcinoma. Identifiers: Orphanet 227535, MedGen C0346153, MONDO:0016419, OMIM 114480. Disease mechanism: loss of function.
Malignant tumor of breast. Also called: Malignant breast neoplasm; Cancer breast. Identifiers: MedGen C0006142, MONDO:0007254. Disease mechanism: loss of function.

Allele frequency attached by ClinVar (database versions not stated): gnomAD exomes 0.00004 and 0.00012; TOPMed 0.00007; gnomAD 0.00009; ExAC 0.00012; 1000 Genomes Project 30x 0.00016.
gnomAD v4.1: 68 of 1,608,394 alleles (0.0042%); highest among the groups gnomAD compares: East Asian, 0.1%; no homozygotes.

Submissions (17):

Labcorp Genetics (formerly Invitae), Labcorp
Classification: Benign for Hereditary breast ovarian cancer syndrome. Last evaluated: 2026-02-03. Review status: criteria provided, single submitter. Criteria: Invitae Variant Classification Sherloc (09022015). Collection method: clinical testing. Allele origin: germline.

Quest Diagnostics Nichols Institute San Juan Capistrano
Classification: Benign. Last evaluated: 2025-07-02. Review status: criteria provided, single submitter. Criteria: Quest Diagnostics criteria. Collection method: clinical testing. Allele origin: unknown.

Center for Genomic Medicine, Rigshospitalet, Copenhagen University Hospital
Classification: Likely benign. Last evaluated: 2025-03-04. Review status: criteria provided, single submitter. Criteria: ACMG Guidelines, 2015. Collection method: clinical testing. Allele origin: germline.

University of Washington Department of Laboratory Medicine, University of Washington
Classification: Likely benign for Hereditary cancer-predisposing syndrome. Last evaluated: 2023-03-23. Review status: criteria provided, single submitter. Criteria: Dines et al. (Genet Med. 2020). Collection method: curation. Allele origin: germline.
Comment: Missense variant in a coldspot region where missense variants are very unlikely to be pathogenic (PMID:31911673).

BRCA2 exon 10 coldspot. Reclassification based on statistical prior probability.

Laboratory of Molecular Epidemiology of Birth Defects, West China Second University Hospital, Sichuan University
Classification: Benign for Ovarian cancer. Last evaluated: 2022-01-01. Review status: criteria provided, single submitter. Criteria: ACMG Guidelines, 2015. Collection method: clinical testing. Allele origin: germline. Affected: yes.

Sema4
Classification: Likely benign for Hereditary cancer-predisposing syndrome. Last evaluated: 2021-07-07. Review status: criteria provided, single submitter. Criteria: Sema4 Curation Guidelines. Collection method: curation. Allele origin: germline.

GeneDx
Classification: Likely benign. Last evaluated: 2021-02-23. Review status: criteria provided, single submitter. Criteria: GeneDx Variant Classification Process June 2021. Collection method: clinical testing. Allele origin: germline. Affected: yes.
Comment: This variant is associated with the following publications: (PMID: 14973102, 22126563, 26852015, 19656164, 27124784, 28222693, 27257965, 32879886, 30415210, 30702160, 32211327, 32455662, 31825140)

Women's Health and Genetics/Laboratory Corporation of America, LabCorp
Classification: Benign. Last evaluated: 2019-09-16. Review status: criteria provided, single submitter. Criteria: LabCorp Variant Classification Summary - May 2015. Collection method: clinical testing. Allele origin: germline.
Comment: Variant summary: BRCA2 c.1568A>G (p.His523Arg) results in a non-conservative amino acid change in the encoded protein sequence. Three of five in-silico tools predict a benign effect of the variant on protein function. The variant allele was found at a frequency of 0.00013 in 246858 control chromosomes, predominantly at a frequency of 0.0015 within the East Asian subpopulation in the gnomAD database. The observed variant frequency within East Asian control individuals in the gnomAD database is approximately 2 fold of the estimated maximal expected allele frequency for a pathogenic variant in BRCA2 causing Hereditary Breast and Ovarian Cancer phenotype (0.00075), strongly suggesting that the variant is a benign polymorphism found primarily in populations of East Asian origin. c.1568A>G has been reported in the literature predominantly among individuals of East Asian ancestry affected with Hereditary Breast and Ovarian Cancer (Cao_2016, Coulet_2010, Dong_2015, Coulet_2010, Park_2016,Seong_2009, Suter_2004, Zhong_2011, Zhong_2016, Bhaskaran_2019, Dong_2018). These report(s) do not provide unequivocal conclusions about association of the variant with Hereditary Breast and Ovarian Cancer. Co-occurrences with other pathogenic variant(s) have been reported in the literature as well as our own laboratory (BRCA2 c.2175dup, p.Val726fs (Dong_2015); BRCA1 c.5521delA, p.Ser1841fs (Dong_2018); and our laboratory, BRCA1 c.3770_3771delAG, p.Glu1257fsX9), providing supporting evidence for a benign role. To our knowledge, no experimental evidence demonstrating an impact on protein function has been reported. Nine clinical diagnostic laboratories have submitted clinical-significance assessments for this variant to ClinVar after 2014 without evidence for independent evaluation. Multiple laboratories reported the variant with conflicting assessments predominantly as likely benign/benign (Benign, n=1; Likely benign, n=6; uncertain significance, n=2). At-least one submitter has downgraded this variant from its previous classification of Likely benign to Benign. Based on the evidence outlined above, the variant was re-classified as benign.

Ambry Genetics
Classification: Likely benign for Hereditary cancer-predisposing syndrome. Last evaluated: 2018-12-28. Review status: criteria provided, single submitter. Criteria: Ambry Variant Classification Scheme 2023. Collection method: clinical testing. Allele origin: germline.

3DMed Clinical Laboratory Inc
Classification: Likely benign for Neoplasm of the breast. Last evaluated: 2018-05-21. Review status: criteria provided, single submitter. Criteria: ACMG Guidelines, 2015. Collection method: clinical testing. Allele origin: germline. Affected: yes.

3DMed Clinical Laboratory Inc
Classification: Likely benign for Cancer of the pancreas. Last evaluated: 2018-05-21. Review status: criteria provided, single submitter. Criteria: ACMG Guidelines, 2015. Collection method: clinical testing. Allele origin: germline. Affected: yes.

Color Diagnostics, LLC DBA Color Health
Classification: Likely benign for Hereditary cancer-predisposing syndrome. Last evaluated: 2015-11-17. Review status: criteria provided, single submitter. Criteria: ACMG Guidelines, 2015. Collection method: clinical testing. Allele origin: germline.

Laboratory of Molecular Diagnosis of Cancer, West China Hospital, Sichuan University
Classification: Uncertain significance for Breast neoplasm. Last evaluated: 2015-11-01. Review status: criteria provided, single submitter. Criteria: ACMG Guidelines, 2015. Collection method: research. Allele origin: germline. Affected: yes. Observed: 6 variant alleles.

Fulgent Genetics
Classification: Uncertain significance for Breast-ovarian cancer, familial, susceptibility to, 2. Last evaluated: 2015-08-07. Review status: criteria provided, single submitter. Criteria: ACMG Guidelines, 2015. Collection method: clinical testing. Allele origin: unknown. Inheritance: Autosomal dominant inheritance.

Sharing Clinical Reports Project (SCRP)
Classification: Likely benign for Breast-ovarian cancer, familial 2. Last evaluated: 2012-05-01. Review status: no assertion criteria provided. Collection method: clinical testing. Allele origin: germline. Not counted in ClinVar's aggregate classification.

Center for Precision Medicine, Meizhou People's Hospital
Classification: Likely benign for Familial cancer of breast. Review status: no assertion criteria provided. Collection method: literature only. Allele origin: germline. Affected: yes. Not counted in ClinVar's aggregate classification.

Department of Pathology and Laboratory Medicine, Sinai Health System
Classification: Likely benign for Malignant tumor of breast. Review status: no assertion criteria provided. Collection method: clinical testing. Allele origin: unknown. Affected: yes. Observed: 3 variant alleles. Study: The Canadian Open Genetics Repository (COGR). Not counted in ClinVar's aggregate classification.
Comment: The BRCA2 p.His523Arg variant was identified in 4 of 2740 proband chromosomes (frequency: 0.001) from Chinese and Korean individuals or families with breast cancer, benign breast disease and ESCC (esophageal squamous cell cancer), and was identified in 2 of 1168 control chromosomes (frequency: 0.002) from healthy individuals (Cao 2016, Seong M-W 2009, Suter 2004, Zhong 2011). The variant was also identified in dbSNP (ID: rs80358443) â€šÃ„ÃºWith Likely benign/Uncertain significance alleleâ€šÃ„Ã¹, Clinvitae database (classification likely benign), the ClinVar database (classification likely benign, submitters: Ambry Genetics, GeneDx, SCRP (Sharing Clinical Reports Project), derived from Myriad reports), GeneInsight COGR database (unclassified â€šÃ„Ãºby a clinical laboratoryâ€šÃ„Ã¹), and UMD (2X as an â€šÃ„Ã¹unclassified variantâ€šÃ„Ã¹). It was identified in the Exome Aggregation Consortium (ExAC) database (released Jan 13, 2015) in 13 of 8636 chromosomes (frequency: 0.0015) from a population of East Asians, and in 2 of 16334 (frequency: 0.0001) in a South Asian population. In EXAC, it was not seen in the European (Non-Finnish), Other, African, Latino and European (Finnish) populations, increasing the likelihood that this may be a low frequency benign variant in certain populations of origin. The p.His523 residue is not conserved in mammals, (with Ser, Cys and Asn present) and computational analyses (PolyPhen-2, SIFT, AlignGVGD, BLOSUM, MutationTaster) do not suggest a high likelihood of impact to the protein; however, this information is not predictive enough to rule out pathogenicity. The variant occurs outside of the splicing consensus sequence and 2 of 5 in silico or computational prediction software programs (SpliceSiteFinder, MaxEntScan, NNSPLICE, GeneSplicer, HumanSpliceFinder) predict a greater than 10% difference in splicing; this is not very predictive of pathogenicity. In summary, based on the above information, the clinical significance of this variant cannot be determined with certainty at this time although we would lean towards a more benign role for this variant. This variant is classified as likely benign.

Literature cited by the submitters: PubMed 14973102 (cited by Quest Diagnostics Nichols Institute San Juan Capistrano and Women's Health and Genetics/Laboratory Corporation of America, LabCorp); PubMed 20858050 (cited by Quest Diagnostics Nichols Institute San Juan Capistrano and Women's Health and Genetics/Laboratory Corporation of America, LabCorp); PubMed 27124784 (cited by Quest Diagnostics Nichols Institute San Juan Capistrano and Women's Health and Genetics/Laboratory Corporation of America, LabCorp); PubMed 28222693 (cited by Quest Diagnostics Nichols Institute San Juan Capistrano and Women's Health and Genetics/Laboratory Corporation of America, LabCorp); PubMed 27257965 (cited by 3 submitters); PubMed 19656164 (cited by 4 submitters); PubMed 22126563 (cited by Quest Diagnostics Nichols Institute San Juan Capistrano and Women's Health and Genetics/Laboratory Corporation of America, LabCorp); PubMed 26852015 (cited by Quest Diagnostics Nichols Institute San Juan Capistrano and Women's Health and Genetics/Laboratory Corporation of America, LabCorp); PubMed 30702160 (cited by Quest Diagnostics Nichols Institute San Juan Capistrano and Women's Health and Genetics/Laboratory Corporation of America, LabCorp); PubMed 30039884 (cited by Quest Diagnostics Nichols Institute San Juan Capistrano and Women's Health and Genetics/Laboratory Corporation of America, LabCorp); PubMed 32455662 (cited by Quest Diagnostics Nichols Institute San Juan Capistrano); PubMed 32211327 (cited by Quest Diagnostics Nichols Institute San Juan Capistrano); PubMed 26187060 (cited by Women's Health and Genetics/Laboratory Corporation of America, LabCorp).